The following is an entry in ClinVar:

NM_016938.5(EFEMP2):c.548C>T (p.Ser183Phe)

Gene: EFEMP2 (EGF containing fibulin extracellular matrix protein 2; minus strand). Cytogenetic location: 11q13.1.
Variant type: single nucleotide variant.
Coding change: c.548C>T on transcript NM_016938.5 (MANE Select); coding-DNA position 548, C replaced by T.
Protein change: p.Ser183Phe; replaces serine 183 with phenylalanine.
Molecular consequence: missense variant. On other transcripts: non-coding transcript variant (1).
Genome position (GRCh38, 1-based): chr11:65,870,180, G>A on the plus strand (C>T on the coding strand, the complement: EFEMP2 is on the minus strand). VCF-style: chr11-65870180-G-A. GRCh37 (hg19) VCF-style: chr11-65637651-G-A.
Other names: short protein forms S183F.
Identifiers: ClinVar variation 1747841 (VCV001747841.2), dbSNP rs1859940021, ClinGen allele CA381360876.
Genomic context (GRCh38, chr11:65,870,180, plus strand): 5'-CCAACACAGGAGCGGTTGTTAGGCCCCAGCTGGAAGCCCGGCTCGCACTGGCAGCGGAAG[G>A]AGCCAGGCAGGTTCACGCAGCGGTGCTGGCAGTAGCGGTAGCGGCACTCGTCTATGTCTA-3'
Protein context (NP_058634.4, residues 173-193): CQHRCVNLPG[Ser183Phe]FRCQCEPGFQ

ClinVar aggregate classification (germline): Uncertain significance (1 of 4 stars; one submission).

Conditions:
Cardiovascular phenotype. Identifiers: MedGen CN230736.

Allele frequency attached by ClinVar (database versions not stated): gnomAD exomes below 0.00001; TOPMed 0.00001.
gnomAD v4.1: 2 of 1,613,838 alleles (0.00012%); highest among the groups gnomAD compares: African/African-American, 0.0013%; no homozygotes.

Submission:

Ambry Genetics
Classification: Uncertain significance for Cardiovascular phenotype. Last evaluated: 2021-08-10. Review status: criteria provided, single submitter. Criteria: Ambry Variant Classification Scheme 2023. Collection method: clinical testing. Allele origin: germline.
Comment: The p.S183F variant (also known as c.548C>T), located in coding exon 5 of the EFEMP2 gene, results from a C to T substitution at nucleotide position 548. The serine at codon 183 is replaced by phenylalanine, an amino acid with highly dissimilar properties. This amino acid position is conserved. In addition, this alteration is predicted to be deleterious by in silico analysis. Since supporting evidence is limited at this time, the clinical significance of this alteration remains unclear.